The following is an entry in ClinVar:

NM_182914.3(SYNE2):c.4868T>C (p.Ile1623Thr)

Gene: SYNE2 (spectrin repeat containing nuclear envelope protein 2; plus strand). Cytogenetic location: 14q23.2.
Variant type: single nucleotide variant.
Coding change: c.4868T>C on transcript NM_182914.3 (MANE Select); coding-DNA position 4868, T replaced by C.
Protein change: p.Ile1623Thr; replaces isoleucine 1623 with threonine.
Molecular consequence: missense variant.
Genome position (GRCh38, 1-based): chr14:64,016,612, T>C. VCF-style: chr14-64016612-T-C. GRCh37 (hg19) VCF-style: chr14-64483330-T-C.
Other names: c.4868T>C, p.Ile1623Thr (NM_015180.6); short protein forms I1623T.
Identifiers: ClinVar variation 3720738 (VCV003720738.2).

ClinVar aggregate classification (germline): Uncertain significance (1 of 4 stars; one submission).

Conditions:
Emery-Dreifuss muscular dystrophy 5, autosomal dominant (EDMD5). Also called: EMERY-DREIFUSS MUSCULAR DYSTROPHY 5. Identifiers: Orphanet 261, MedGen C2751805, MONDO:0013072, OMIM 612999.

gnomAD v4.1: 3 of 1,597,488 alleles (0.00019%); highest among the groups gnomAD compares: Non-Finnish European, 0.00017%; no homozygotes.

Submission:

Labcorp Genetics (formerly Invitae), Labcorp
Classification: Uncertain significance for Emery-Dreifuss muscular dystrophy 5, autosomal dominant. Last evaluated: 2024-06-04. Review status: criteria provided, single submitter. Criteria: Invitae Variant Classification Sherloc (09022015). Collection method: clinical testing. Allele origin: germline.
Comment: This sequence change replaces isoleucine, which is neutral and non-polar, with threonine, which is neutral and polar, at codon 1623 of the SYNE2 protein (p.Ile1623Thr). The frequency data for this variant in the population databases is considered unreliable, as metrics indicate poor data quality at this position in the gnomAD database. This variant has not been reported in the literature in individuals affected with SYNE2-related conditions. An algorithm developed to predict the effect of missense changes on protein structure and function (PolyPhen-2) suggests that this variant is likely to be disruptive. In summary, the available evidence is currently insufficient to determine the role of this variant in disease. Therefore, it has been classified as a Variant of Uncertain Significance.